The following is an entry in ClinVar:

NM_001110556.2(FLNA):c.5258G>C (p.Arg1753Pro)

Gene: FLNA (filamin A; minus strand). Cytogenetic location: Xq28.
Variant type: single nucleotide variant.
Coding change: c.5258G>C on transcript NM_001110556.2 (MANE Select); coding-DNA position 5258, G replaced by C.
Protein change: p.Arg1753Pro; replaces arginine 1753 with proline.
Molecular consequence: missense variant.
Genome position (GRCh38, 1-based): chrX:154,354,671, C>G on the plus strand (G>C on the coding strand, the complement: FLNA is on the minus strand). VCF-style: chrX-154354671-C-G. GRCh37 (hg19) VCF-style: chrX-153583039-C-G.
Other names: c.5234G>C, p.Arg1745Pro (NM_001456.4); short protein forms R1745P, R1753P.
Identifiers: ClinVar variation 2949709 (VCV002949709.3), dbSNP rs1305496218, ClinGen allele CA415206618.

ClinVar aggregate classification (germline): Uncertain significance (1 of 4 stars; one submission).

Conditions:
Heterotopia, periventricular, X-linked dominant (PVNH1). Also called: PERIVENTRICULAR NODULAR HETEROTOPIA 1; X-linked periventricular heterotopia; PERIVENTRICULAR NODULAR HETEROTOPIA 4; HETEROTOPIA, PERIVENTRICULAR, 1. Identifiers: Orphanet 2149, Orphanet 82004, MedGen C1848213, MONDO:0010233, OMIM 300049.
Melnick-Needles syndrome (MNS). Also called: Melnick-Needles Syndrome (FLNA-MNS); MELNICK-NEEDLES OSTEODYSPLASTY; OSTEODYSPLASTY OF MELNICK AND NEEDLES. Identifiers: Orphanet 2484, MedGen C0025237, MONDO:0010650, OMIM 309350.
Frontometaphyseal dysplasia (FMD1). Identifiers: Orphanet 1826, MedGen C0265293, MONDO:0015942.
Oto-palato-digital syndrome, type II (OPD2). Also called: Otopalatodigital Syndrome Type 2 (FLNA-OPD2); FACIOPALATOOSSEOUS SYNDROME; OPD II SYNDROME; Otopalatodigital Syndrome, Type II. Identifiers: Orphanet 669, Orphanet 90652, MedGen C1844696, MONDO:0010571, OMIM 304120.

Submission:

Labcorp Genetics (formerly Invitae), Labcorp
Classification: Uncertain significance for Oto-palato-digital syndrome, type II; Heterotopia, periventricular, X-linked dominant; Frontometaphyseal dysplasia; Melnick-Needles syndrome. Last evaluated: 2025-05-14. Review status: criteria provided, single submitter. Criteria: Invitae Variant Classification Sherloc (09022015). Collection method: clinical testing. Allele origin: germline.
Comment: This sequence change replaces arginine, which is basic and polar, with proline, which is neutral and non-polar, at codon 1745 of the FLNA protein (p.Arg1745Pro). This variant is not present in population databases (gnomAD no frequency). This variant has not been reported in the literature in individuals affected with FLNA-related conditions. ClinVar contains an entry for this variant (Variation ID: 2949709). Invitae Evidence Modeling of protein sequence and biophysical properties (such as structural, functional, and spatial information, amino acid conservation, physicochemical variation, residue mobility, and thermodynamic stability) indicates that this missense variant is not expected to disrupt FLNA protein function with a negative predictive value of 95%. In summary, the available evidence is currently insufficient to determine the role of this variant in disease. Therefore, it has been classified as a Variant of Uncertain Significance.